The following is an entry in ClinVar:

NM_014639.4(SKIC3):c.1762C>T (p.Gln588Ter)

Gene: SKIC3 (SKI3 subunit of superkiller complex; minus strand). Cytogenetic location: 5q15.
Variant type: single nucleotide variant.
Coding change: c.1762C>T on transcript NM_014639.4 (MANE Select); coding-DNA position 1762, C replaced by T.
Protein change: p.Gln588Ter; replaces glutamine 588 with a stop codon.
Molecular consequence: nonsense.
Genome position (GRCh38, 1-based): chr5:95,522,303, G>A on the plus strand (C>T on the coding strand, the complement: SKIC3 is on the minus strand). VCF-style: chr5-95522303-G-A. GRCh37 (hg19) VCF-style: chr5-94858007-G-A.
Other names: short protein forms Q588*.
Identifiers: ClinVar variation 1413550 (VCV001413550.6), dbSNP rs758635140, ClinGen allele CA3347241.

ClinVar aggregate classification (germline): Pathogenic (1 of 4 stars; one submission).

Allele frequency attached by ClinVar (database versions not stated): gnomAD exomes below 0.00001; ExAC 0.00001.
gnomAD v4.1: 2 of 1,613,128 alleles (0.00012%); highest among the groups gnomAD compares: South Asian, 0.0011%; no homozygotes.

Submission:

Labcorp Genetics (formerly Invitae), Labcorp
Classification: Pathogenic. Last evaluated: 2025-04-19. Review status: criteria provided, single submitter. Criteria: Invitae Variant Classification Sherloc (09022015). Collection method: clinical testing. Allele origin: germline.
Comment: This sequence change creates a premature translational stop signal (p.Gln588*) in the TTC37 gene. It is expected to result in an absent or disrupted protein product. Loss-of-function variants in TTC37 are known to be pathogenic (PMID: 20176027, 21120949). This variant is not present in population databases (gnomAD no frequency). This variant has not been reported in the literature in individuals affected with TTC37-related conditions. ClinVar contains an entry for this variant (Variation ID: 1413550). For these reasons, this variant has been classified as Pathogenic.

Literature cited by the submitters: PubMed 20176027; PubMed 21120949.